The following is an entry in ClinVar:

ClinVar aggregate classification (germline): Likely benign (1 of 4 stars; one submission).

gnomAD v4.1: 484 of 1,613,712 alleles (0.03%); highest among the groups gnomAD compares: Non-Finnish European, 0.039%; no homozygotes.

Submission:

CeGaT Center for Human Genetics Tuebingen
Classification: Likely benign. Last evaluated: 2026-03-01. Review status: criteria provided, single submitter. Criteria: CeGaT Center For Human Genetics Tuebingen Variant Classification Criteria Version 2. Collection method: clinical testing. Allele origin: germline. Affected: yes. Observed: 1 variant allele.
Comment: CHD1: BP4, BP7

NM_001270.4(CHD1):c.969A>G (p.Lys323=)

Gene: CHD1 (chromodomain helicase DNA binding protein 1; minus strand). Cytogenetic location: 5q15.
Variant type: single nucleotide variant.
Coding change: c.969A>G on transcript NM_001270.4 (MANE Select); coding-DNA position 969, A replaced by G.
Protein change: p.Lys323=; no amino-acid change (lysine 323 retained).
Molecular consequence: synonymous variant. On other transcripts: non-coding transcript variant (2).
Genome position (GRCh38, 1-based): chr5:98,899,596, T>C on the plus strand (A>G on the coding strand, the complement: CHD1 is on the minus strand). VCF-style: chr5-98899596-T-C. GRCh37 (hg19) VCF-style: chr5-98235300-T-C.
Other names: c.969A>G, p.Lys323= (NM_001364113.3, NM_001376194.2).
Identifiers: ClinVar variation 4822062 (VCV004822062.4).